The following is an entry in ClinVar:

NM_207037.2(TCF12):c.677T>C (p.Phe226Ser)

Gene: TCF12 (transcription factor 12; plus strand). Cytogenetic location: 15q21.3.
Variant type: single nucleotide variant.
Coding change: c.677T>C on transcript NM_207037.2 (MANE Select); coding-DNA position 677, T replaced by C.
Protein change: p.Phe226Ser; replaces phenylalanine 226 with serine.
Molecular consequence: missense variant. On other transcripts: synonymous variant (1).
Genome position (GRCh38, 1-based): chr15:57,231,249, T>C. VCF-style: chr15-57231249-T-C. GRCh37 (hg19) VCF-style: chr15-57523447-T-C.
Other names: c.167T>C, p.Phe56Ser (NM_001306219.3, NM_207040.2); c.109T>C, p.Leu37= (NM_001306220.3); c.677T>C, p.Phe226Ser (NM_001322151.2, NM_001322152.2, NM_001322157.3 and 7 more transcripts); c.20T>C, p.Phe7Ser (NM_001322154.2); c.503T>C, p.Phe168Ser (NM_001322156.2, NM_001322158.2); c.713T>C, p.Phe238Ser (NM_001322164.2); short protein forms F226S, F7S, F238S, F168S, F56S.
Identifiers: ClinVar variation 3393727 (VCV003393727.1).

ClinVar aggregate classification (germline): Uncertain significance (1 of 4 stars; one submission).

Submission:

GeneDx
Classification: Uncertain significance. Last evaluated: 2024-06-30. Review status: criteria provided, single submitter. Criteria: GeneDx Variant Classification Process June 2021. Collection method: clinical testing. Allele origin: germline. Affected: yes.
Comment: Not observed at significant frequency in large population cohorts (gnomAD); In silico analysis supports that this missense variant has a deleterious effect on protein structure/function; Has not been previously published as pathogenic or benign to our knowledge